The following is an entry in ClinVar:

ClinVar aggregate classification (germline): Benign. Review status: criteria provided, multiple submitters, no conflicts (2 of 4 stars). 2 submissions from 2 submitters: Benign (2). Last evaluated 2018-06-16.

Allele frequency attached by ClinVar (database versions not stated): TOPMed 0.11252; gnomAD 0.11313 and 0.11521; 1000 Genomes Project 30x 0.12586; 1000 Genomes Project 0.12800.
gnomAD v4.1: 17,570 of 152,178 alleles (12%); highest among the groups gnomAD compares: East Asian, 25%; 1,333 homozygotes.

Submissions (2):

GeneDx
Classification: Benign. Last evaluated: 2018-06-16. Review status: criteria provided, single submitter. Criteria: GeneDx Variant Classification (06012015). Collection method: clinical testing. Allele origin: germline. Affected: yes.
Comment: This variant is considered likely benign or benign based on one or more of the following criteria: it is a conservative change, it occurs at a poorly conserved position in the protein, it is predicted to be benign by multiple in silico algorithms, and/or has population frequency not consistent with disease.

Breakthrough Genomics
Classification: Benign. Review status: criteria provided, single submitter. Criteria: ACMG Guidelines, 2015. Collection method: not provided. Allele origin: germline. Inheritance: Autosomal recessive inheritance. Affected: yes.

NM_015340.4(LARS2):c.364-241A>G

Gene: LARS2 (leucyl-tRNA synthetase 2, mitochondrial; plus strand). Cytogenetic location: 3p21.31.
Variant type: single nucleotide variant.
Coding change: c.364-241A>G on transcript NM_015340.4 (MANE Select); 241 bases into the intron before coding-DNA position 364, A replaced by G.
Molecular consequence: intron variant.
Genome position (GRCh38, 1-based): chr3:45,417,241, A>G. VCF-style: chr3-45417241-A-G. GRCh37 (hg19) VCF-style: chr3-45458733-A-G.
Other names: c.364-241A>G (NM_001368263.1).
Identifiers: ClinVar variation 671249 (VCV000671249.2), dbSNP rs17576289, ClinGen allele CA16141811.